The following is an entry in ClinVar:

NM_033380.3(COL4A5):c.4270G>A (p.Gly1424Ser)

Gene: COL4A5 (collagen type IV alpha 5 chain; plus strand). Cytogenetic location: Xq22.3.
Variant type: single nucleotide variant.
Coding change: c.4270G>A on transcript NM_033380.3 (MANE Select); coding-DNA position 4270, G replaced by A.
Protein change: p.Gly1424Ser; replaces glycine 1424 with serine.
Molecular consequence: missense variant.
Genome position (GRCh38, 1-based): chrX:108,686,084, G>A. VCF-style: chrX-108686084-G-A. GRCh37 (hg19) VCF-style: chrX-107929314-G-A.
Other names: c.4252G>A (NM_000495.4); c.4252G>A, p.Gly1418Ser (NM_000495.5); short protein forms G1418S, G1424S.
Identifiers: ClinVar variation 2894892 (VCV002894892.4), dbSNP rs369102115, ClinGen allele CA10489330.

ClinVar aggregate classification (germline): Likely pathogenic. Review status: criteria provided, multiple submitters, no conflicts (2 of 4 stars). 2 submissions from 2 submitters: Likely pathogenic (2). Last evaluated 2025-08-21.

Conditions:
X-linked Alport syndrome (ATS1). Also called: COL4A5-Related Nephropathy; NEPHROPATHY AND DEAFNESS, X-LINKED. Identifiers: Orphanet 63, Orphanet 88917, MedGen C4746986, MONDO:0010520, OMIM 301050.

Allele frequency attached by ClinVar (database versions not stated): ExAC 0.00001; TOPMed 0.00004; ESP Exome Variant Server 0.00009.
gnomAD v4.1: 1 of 1,210,987 alleles (0.000083%); highest among the groups gnomAD compares: African/African-American, 0.0017%; no homozygotes.

Submissions (2):

Natera, Inc.
Classification: Likely pathogenic for X-linked Alport syndrome. Last evaluated: 2025-08-21. Review status: criteria provided, single submitter. Criteria: Natera Variant Classification Schema (03/2026). Collection method: clinical testing. Allele origin: germline.
Comment: The c.4252G>A variant in COL4A5 is a missense variant predicted to cause substitution of glycine to serine at amino acid 1418. This variant is rare in the general population with a frequency below the threshold expected for the associated phenotype(s). This variant is located in a functionally critical region of the protein. Computational prediction algorithms indicate this variant is likely to affect gene or protein function. Given the available evidence, this variant is classified as Likely Pathogenic.

Labcorp Genetics (formerly Invitae), Labcorp
Classification: Likely pathogenic. Last evaluated: 2023-08-16. Review status: criteria provided, single submitter. Criteria: Invitae Variant Classification Sherloc (09022015). Collection method: clinical testing. Allele origin: germline.
Comment: Advanced modeling of protein sequence and biophysical properties (such as structural, functional, and spatial information, amino acid conservation, physicochemical variation, residue mobility, and thermodynamic stability) performed at Invitae indicates that this missense variant is expected to disrupt COL4A5 protein function. In summary, the currently available evidence indicates that the variant is pathogenic, but additional data are needed to prove that conclusively. Therefore, this variant has been classified as Likely Pathogenic. This variant disrupts the triple helix domain of COL4A5. Glycine residues within the Gly-Xaa-Yaa repeats of the triple helix domain are required for the structure and stability of fibrillar collagens (PMID: 7695699, 8218237, 19344236). In COL4A5, missense variants at these glycine residues are significantly enriched in individuals with disease (PMID: 23720012, 27627812) compared to the general population (ExAC). This variant has not been reported in the literature in individuals affected with COL4A5-related conditions. This variant is present in population databases (rs369102115, gnomAD 0.008%). This sequence change replaces glycine, which is neutral and non-polar, with serine, which is neutral and polar, at codon 1418 of the COL4A5 protein (p.Gly1418Ser).

Literature cited by the submitters: PubMed 7695699 (cited by Labcorp Genetics (formerly Invitae), Labcorp); PubMed 8218237 (cited by Labcorp Genetics (formerly Invitae), Labcorp); PubMed 19344236 (cited by Labcorp Genetics (formerly Invitae), Labcorp); PubMed 23720012 (cited by Labcorp Genetics (formerly Invitae), Labcorp); PubMed 27627812 (cited by Labcorp Genetics (formerly Invitae), Labcorp).